The following is an entry in ClinVar:

ClinVar aggregate classification (germline): Uncertain significance. Review status: criteria provided, multiple submitters, no conflicts (2 of 4 stars). 2 submissions from 2 submitters: Uncertain significance (2). Last evaluated 2022-10-04.

Conditions:
Inborn genetic diseases. Identifiers: MedGen C0950123, MeSH D030342.

Allele frequency attached by ClinVar (database versions not stated): ExAC 0.00004; gnomAD 0.00004; gnomAD exomes 0.00005 and 0.00012.
gnomAD v4.1: 180 of 1,613,534 alleles (0.011%); highest among the groups gnomAD compares: Non-Finnish European, 0.014%; no homozygotes.

Submissions (2):

Ambry Genetics
Classification: Uncertain significance for Inborn genetic diseases. Last evaluated: 2022-10-04. Review status: criteria provided, single submitter. Criteria: Ambry Variant Classification Scheme 2023. Collection method: clinical testing. Allele origin: germline.

Labcorp Genetics (formerly Invitae), Labcorp
Classification: Uncertain significance. Last evaluated: 2022-01-07. Review status: criteria provided, single submitter. Criteria: Invitae Variant Classification Sherloc (09022015). Collection method: clinical testing. Allele origin: germline.
Comment: This sequence change replaces aspartic acid, which is acidic and polar, with asparagine, which is neutral and polar, at codon 40 of the GTF2H5 protein (p.Asp40Asn). This variant is present in population databases (rs777480675, gnomAD 0.008%). This variant has not been reported in the literature in individuals affected with GTF2H5-related conditions. Algorithms developed to predict the effect of missense changes on protein structure and function are either unavailable or do not agree on the potential impact of this missense change (SIFT: "Deleterious"; PolyPhen-2: "Possibly Damaging"; Align-GVGD: "Class C0"). In summary, the available evidence is currently insufficient to determine the role of this variant in disease. Therefore, it has been classified as a Variant of Uncertain Significance.

NM_207118.3(GTF2H5):c.118G>A (p.Asp40Asn)

Gene: GTF2H5 (general transcription factor IIH subunit 5; plus strand). Cytogenetic location: 6q25.3.
Variant type: single nucleotide variant.
Coding change: c.118G>A on transcript NM_207118.3 (MANE Select); coding-DNA position 118, G replaced by A.
Protein change: p.Asp40Asn; replaces aspartic acid 40 with asparagine.
Molecular consequence: missense variant.
Genome position (GRCh38, 1-based): chr6:158,192,059, G>A. VCF-style: chr6-158192059-G-A. GRCh37 (hg19) VCF-style: chr6-158613091-G-A.
Other names: c.118G>A (NM_207118.2); short protein forms D40N.
Identifiers: ClinVar variation 1378097 (VCV001378097.6), dbSNP rs777480675, ClinGen allele CA4071603.